The following is an entry in ClinVar:

ClinVar aggregate classification (germline): Uncertain significance. Review status: criteria provided, multiple submitters, no conflicts (2 of 4 stars). 4 submissions from 4 submitters: Uncertain significance (4). Last evaluated 2026-03-27.

Conditions:
Cardiovascular phenotype. Identifiers: MedGen CN230736.
Primary dilated cardiomyopathy (DCM). Also called: Dilated Cardiomyopathy. Identifiers: Orphanet 217604, MedGen C0007193, MeSH D002311, MONDO:0005021, HP:0001644. Inheritance: Various modes of inheritance.
Dilated cardiomyopathy 1O (CMD1O). Also called: CARDIOMYOPATHY, DILATED, WITH VENTRICULAR TACHYCARDIA. Identifiers: Orphanet 154, MedGen C1837839, MONDO:0012062, OMIM 608569.

Allele frequency attached by ClinVar (database versions not stated): gnomAD 0.00001 and 0.00002; 1000 Genomes Project 30x 0.00016; ExAC 0.00001; gnomAD exomes 0.00002 and 0.00003; 1000 Genomes Project 0.00020; TOPMed 0.00003.
gnomAD v4.1: 17 of 1,613,868 alleles (0.0011%); highest among the groups gnomAD compares: African/African-American, 0.004%; no homozygotes.

Submissions (4):

Ambry Genetics
Classification: Uncertain significance for Cardiovascular phenotype. Last evaluated: 2026-03-27. Review status: criteria provided, single submitter. Criteria: Ambry Variant Classification Scheme 2023. Collection method: clinical testing. Allele origin: germline.
Comment: The p.R984C variant (also known as c.2950C>T), located in coding exon 24 of the ABCC9 gene, results from a C to T substitution at nucleotide position 2950. The arginine at codon 984 is replaced by cysteine, an amino acid with highly dissimilar properties. This amino acid position is not well conserved in available vertebrate species. In addition, this alteration is predicted to be tolerated by in silico analysis. Based on the available evidence, the clinical significance of this variant remains unclear.

Labcorp Genetics (formerly Invitae), Labcorp
Classification: Uncertain significance for Dilated cardiomyopathy 1O. Last evaluated: 2025-08-10. Review status: criteria provided, single submitter. Criteria: Invitae Variant Classification Sherloc (09022015). Collection method: clinical testing. Allele origin: germline.
Comment: This sequence change replaces arginine, which is basic and polar, with cysteine, which is neutral and slightly polar, at codon 984 of the ABCC9 protein (p.Arg984Cys). This variant is present in population databases (rs78979794, gnomAD 0.004%). This variant has not been reported in the literature in individuals affected with ABCC9-related conditions. ClinVar contains an entry for this variant (Variation ID: 850372). Invitae Evidence Modeling of protein sequence and biophysical properties (such as structural, functional, and spatial information, amino acid conservation, physicochemical variation, residue mobility, and thermodynamic stability) indicates that this missense variant is not expected to disrupt ABCC9 protein function with a negative predictive value of 80%. In summary, the available evidence is currently insufficient to determine the role of this variant in disease. Therefore, it has been classified as a Variant of Uncertain Significance.

Victorian Clinical Genetics Services, Murdoch Childrens Research Institute
Classification: Uncertain significance for Dilated cardiomyopathy 1O. Last evaluated: 2020-06-11. Review status: criteria provided, single submitter. Criteria: ACMG Guidelines, 2015. Collection method: clinical testing. Allele origin: germline. Inheritance: Autosomal dominant inheritance.
Comment: Based on the classification scheme VCGS_Germline_v1.1.1, this variant is classified as VUS-3C. Following criteria are met: 0102 - Loss-of-function is a known mechanism of disease for this gene. (N) 0107 - This gene is known to be associated with autosomal dominant disease. (N) 0200 - Variant is predicted to result in a missense amino acid change from arginine to cysteine, exon 24. (N) 0251 - Variant is heterozygous. (N) 0302 - Variant is present in gnomAD <0.001 for a dominant condition (0.0000283 (8 het, 0 hom). (P) 0309 - An alternative amino acid change at the same position has been observed in gnomAD: p.(Arg984His) 0.00002 (5 het, 0 hom). (N) 0502 - Missense variant with conflicting in silico predictions and/or uninformative conservation. Major amino acid change, Low conservation. (N) 0604 - Variant is not located in an established domain, motif, hotspot or informative constraint region (DECIPHER, UniProt, RCSB-PDB, NCBI_Conserved Domains). (N) 0708 - Comparable variants have conflicting previous evidence for pathogenicity: p.(Arg984His), VUSx1 in ClinVar, no information provided.(N) 0804 - Variant is present in the population at a very low frequency and has previously been described as a variant of uncertain significance (VUS) once in ClinVar. (N) 0905 - No segregation evidence has been identified for this variant. (N) 1007 - No published functional evidence has been identified for this variant. (N) 1208 – inheritance information for this variant is not currently available. Legend: (P) - Pathogenic, (N) - Neutral, (B) - Benign

Genetics and Genomics Program, Sidra Medicine
Classification: Uncertain significance for Primary dilated cardiomyopathy. Review status: criteria provided, single submitter. Criteria: ACMG Guidelines, 2015. Collection method: research. Allele origin: unknown. Affected: yes. Observed: 1 variant allele.

NM_020297.4(ABCC9):c.2950C>T (p.Arg984Cys)

Gene: ABCC9 (ATP binding cassette subfamily C member 9; minus strand). Cytogenetic location: 12p12.1.
Variant type: single nucleotide variant.
Coding change: c.2950C>T on transcript NM_020297.4 (MANE Select); coding-DNA position 2950, C replaced by T.
Protein change: p.Arg984Cys; replaces arginine 984 with cysteine.
Molecular consequence: missense variant.
Genome position (GRCh38, 1-based): chr12:21,845,749, G>A on the plus strand (C>T on the coding strand, the complement: ABCC9 is on the minus strand). VCF-style: chr12-21845749-G-A. GRCh37 (hg19) VCF-style: chr12-21998683-G-A.
Other names: c.2950C>T (NM_005691.2); c.2950C>T, p.Arg984Cys (NM_001377273.1, NM_005691.4); c.2083C>T, p.Arg695Cys (NM_001377274.1); short protein forms R984C, R695C.
Identifiers: ClinVar variation 850372 (VCV000850372.12), dbSNP rs78979794, ClinGen allele CA6481234.